The following is an entry in ClinVar:

ClinVar aggregate classification (germline): Likely benign (1 of 4 stars; one submission).

Allele frequency attached by ClinVar (database versions not stated): 1000 Genomes Project 30x 0.00016; TOPMed 0.00121; gnomAD 0.00126; gnomAD exomes 0.00273.
gnomAD v4.1: 189 of 152,446 alleles (0.12%); highest among the groups gnomAD compares: Non-Finnish European, 0.24%; 1 homozygote.

Submission:

CeGaT Center for Human Genetics Tuebingen
Classification: Likely benign. Last evaluated: 2026-08-01. Review status: criteria provided, single submitter. Criteria: CeGaT Center For Human Genetics Tuebingen Variant Classification Criteria Version 2. Collection method: clinical testing. Allele origin: germline. Affected: yes. Observed: 14 variant alleles.
Comment: DICER1: BS1

NM_177438.3(DICER1):c.-291C>T

Genes: DICER1 (dicer 1, ribonuclease III; minus strand), LOC130056358 (ATAC-STARR-seq lymphoblastoid silent region 6042; plus strand). Cytogenetic location: 14q32.13.
Variant type: single nucleotide variant.
Coding change: c.-291C>T on transcript NM_177438.3 (MANE Select); 291 bases upstream of the start codon, C replaced by T.
Molecular consequence: 5 prime UTR variant. On other transcripts: non-coding transcript variant (6), intron variant (3).
Genome position (GRCh38, 1-based): chr14:95,157,475, G>A on the plus strand (C>T on the coding strand, the complement: DICER1 is on the minus strand). VCF-style: chr14-95157475-G-A. GRCh37 (hg19) VCF-style: chr14-95623812-G-A.
Other names: c.-130C>T (NM_001395678.1); c.-458C>T (NM_001395679.1, NM_001395692.1, NM_001395699.1); c.-297C>T (NM_001395680.1, NM_001395681.1, NM_001395694.1); c.-601C>T (NM_001395682.1); c.-392C>T (NM_001395683.1, NM_001395695.1); c.-434C>T (NM_001395684.1); c.-565C>T (NM_001395686.1, NM_001395689.1, NM_001395696.1 and 1 more transcripts); c.-376C>T (NM_001395687.1); and 8 more.
Identifiers: ClinVar variation 2644493 (VCV002644493.24), dbSNP rs531286635, ClinGen allele CA265898324.